The following is an entry in ClinVar:

NM_000083.3(CLCN1):c.1594del (p.Ala531_Leu532insTer)

Gene: CLCN1 (chloride voltage-gated channel 1; plus strand). Cytogenetic location: 7q34.
Variant type: Deletion.
Coding change: c.1594del on transcript NM_000083.3 (MANE Select); coding-DNA position 1594, one base deleted (C; older notation c.1594delC).
Protein change: p.Ala531_Leu532insTer.
Molecular consequence: nonsense. On other transcripts: non-coding transcript variant (1).
Genome position (GRCh38, 1-based): chr7:143,341,940, C deleted. VCF-style (leftmost placement, unchanged base first): chr7-143341939-GC-G. GRCh37 (hg19) VCF-style: chr7-143039032-GC-G.
Other names: c.1594delC (NM_000083.3).
Identifiers: ClinVar variation 3896815 (VCV003896815.1).

ClinVar aggregate classification (germline): Likely pathogenic (1 of 4 stars; one submission).

Conditions:
Congenital myotonia, autosomal recessive form. Also called: BECKER DISEASE; Becker Generalized Myotonia; myotonia congenita, autosomal recessive. Identifiers: Orphanet 614, MedGen C0751360, MONDO:0009715, OMIM 255700.

Submission:

Kariminejad - Najmabadi Pathology & Genetics Center
Classification: Likely pathogenic for Congenital myotonia, autosomal recessive form. Last evaluated: 2023-12-18. Review status: criteria provided, single submitter. Criteria: ACMG Guidelines, 2015. Collection method: clinical testing. Allele origin: germline. Inheritance: Autosomal recessive inheritance. Affected: yes.
Comment: PVS1, PM2